The following is an entry in ClinVar:

ClinVar aggregate classification (germline): Uncertain significance (1 of 4 stars; one submission).

Conditions:
Mucopolysaccharidosis, MPS-IV-A (MPS4A). Also called: Morquio syndrome A, mild; MORQUIO SYNDROME A; GALACTOSAMINE-6-SULFATASE DEFICIENCY; GALNS DEFICIENCY; MORQUIO A DISEASE; Mucopolysaccharidosis type IV A. Identifiers: Orphanet 309297, Orphanet 582, MedGen C0086651, MONDO:0009659, OMIM 253000.

Submission:

Labcorp Genetics (formerly Invitae), Labcorp
Classification: Uncertain significance for Mucopolysaccharidosis, MPS-IV-A. Last evaluated: 2022-01-17. Review status: criteria provided, single submitter. Criteria: Invitae Variant Classification Sherloc (09022015). Collection method: clinical testing. Allele origin: germline.
Comment: This sequence change replaces glycine, which is neutral and non-polar, with aspartic acid, which is acidic and polar, at codon 387 of the GALNS protein (p.Gly387Asp). This variant is not present in population databases (gnomAD no frequency). This missense change has been observed in individual(s) with clinical features of GALNS-related conditions (Invitae). Advanced modeling of protein sequence and biophysical properties (such as structural, functional, and spatial information, amino acid conservation, physicochemical variation, residue mobility, and thermodynamic stability) performed at Invitae indicates that this missense variant is expected to disrupt GALNS protein function. In summary, the available evidence is currently insufficient to determine the role of this variant in disease. Therefore, it has been classified as a Variant of Uncertain Significance.

NM_000512.5(GALNS):c.1160G>A (p.Gly387Asp)

Gene: GALNS (galactosamine (N-acetyl)-6-sulfatase; minus strand). Cytogenetic location: 16q24.3.
Variant type: single nucleotide variant.
Coding change: c.1160G>A on transcript NM_000512.5 (MANE Select); coding-DNA position 1160, G replaced by A.
Protein change: p.Gly387Asp; replaces glycine 387 with aspartic acid.
Molecular consequence: missense variant.
Genome position (GRCh38, 1-based): chr16:88,824,849, C>T on the plus strand (G>A on the coding strand, the complement: GALNS is on the minus strand). VCF-style: chr16-88824849-C-T. GRCh37 (hg19) VCF-style: chr16-88891257-C-T.
Other names: c.605G>A, p.Gly202Asp (NM_001323543.2); c.1178G>A, p.Gly393Asp (NM_001323544.2); short protein forms G202D, G393D, G387D.
Identifiers: ClinVar variation 2086947 (VCV002086947.4), dbSNP rs1567519317, ClinGen allele CA397097698.